The following is an entry in ClinVar:

NM_030662.4(MAP2K2):c.841C>T (p.Arg281Trp)

Gene: MAP2K2 (mitogen-activated protein kinase kinase 2; minus strand). Cytogenetic location: 19p13.3.
Variant type: single nucleotide variant.
Coding change: c.841C>T on transcript NM_030662.4 (MANE Select); coding-DNA position 841, C replaced by T.
Protein change: p.Arg281Trp; replaces arginine 281 with tryptophan.
Molecular consequence: missense variant.
Genome position (GRCh38, 1-based): chr19:4,099,279, G>A on the plus strand (C>T on the coding strand, the complement: MAP2K2 is on the minus strand). VCF-style: chr19-4099279-G-A. GRCh37 (hg19) VCF-style: chr19-4099277-G-A.
Other names: short protein forms R281W.
Identifiers: ClinVar variation 917722 (VCV000917722.14), dbSNP rs759998177, ClinGen allele CA9090820.

ClinVar aggregate classification (germline): Conflicting classifications of pathogenicity. Review status: criteria provided, conflicting classifications (1 of 4 stars). 5 submissions from 5 submitters: Uncertain significance (4); Likely benign (1). Last evaluated 2026-03-23.

Conditions:
Cardiovascular phenotype. Identifiers: MedGen CN230736.
RASopathy. Also called: Noonan spectrum disorder; rasopathies. Identifiers: Orphanet 536391, MedGen C5555857, MONDO:0021060.
MAP2K2-related disorder. Also called: MAP2K2-related condition.

Allele frequency attached by ClinVar (database versions not stated): gnomAD exomes 0.00002; gnomAD 0.00004 and 0.00003; TOPMed 0.00003; ExAC 0.00004.
gnomAD v4.1: 31 of 1,605,404 alleles (0.0019%); highest among the groups gnomAD compares: African/African-American, 0.0053%; no homozygotes.

Submissions (5):

GeneDx
Classification: Uncertain significance. Last evaluated: 2026-03-23. Review status: criteria provided, single submitter. Criteria: GeneDx Variant Classification Process June 2021. Collection method: clinical testing. Allele origin: germline.
Comment: Has not been previously published as pathogenic or benign to our knowledge; In silico analysis suggests that this missense variant does not alter protein structure/function; Missense variants in this gene are a common cause of disease and they are underrepresented in the general population; This variant is associated with the following publications: (PMID: 29493581)

PreventionGenetics, part of Exact Sciences
Classification: Uncertain significance for MAP2K2-related condition. Last evaluated: 2026-02-24. Review status: criteria provided, single submitter. Criteria: ACMG Guidelines, 2015. Collection method: clinical testing. Allele origin: germline.
Comment: The MAP2K2 c.841C>T variant is predicted to result in the amino acid substitution p.Arg281Trp. To our knowledge, this variant has not been reported in the literature. This variant is reported in 0.0072% of alleles in individuals of African descent in gnomAD. This variant has conflicting interpretations in ClinVar ranging from uncertain to likely benign (Variation ID: 917722). At this time, the clinical significance of this variant is uncertain due to the absence of conclusive functional and genetic evidence.

Women's Health and Genetics/Laboratory Corporation of America, LabCorp
Classification: Likely benign. Last evaluated: 2024-02-26. Review status: criteria provided, single submitter. Criteria: LabCorp Variant Classification Summary - May 2015. Collection method: clinical testing. Allele origin: germline.
Comment: Variant summary: MAP2K2 c.841C>T (p.Arg281Trp) results in a non-conservative amino acid change located in the Protein kinase domain (IPR000719) of the encoded protein sequence. Four of five in-silico tools predict a damaging effect of the variant on protein function. The variant allele was found at a frequency of 1.9e-05 in 1605404 control chromosomes (gnomAD database v4.0.0). The observed variant frequency is approximately 8 fold of the estimated maximal expected allele frequency for a pathogenic variant in MAP2K2 causing Noonan Syndrome And Related Conditions phenotype (2.5e-06), strongly suggesting that the variant is benign. To our knowledge, no occurrence of c.841C>T in individuals affected with Noonan Syndrome And Related Conditions and no experimental evidence demonstrating its impact on protein function have been reported. ClinVar contains an entry for this variant (Variation ID: 917722). Based on the evidence outlined above, the variant was classified as likely benign.

Labcorp Genetics (formerly Invitae), Labcorp
Classification: Uncertain significance for RASopathy. Last evaluated: 2023-09-23. Review status: criteria provided, single submitter. Criteria: Invitae Variant Classification Sherloc (09022015). Collection method: clinical testing. Allele origin: germline.
Comment: This variant has not been reported in the literature in individuals affected with MAP2K2-related conditions. ClinVar contains an entry for this variant (Variation ID: 917722). Advanced modeling of protein sequence and biophysical properties (such as structural, functional, and spatial information, amino acid conservation, physicochemical variation, residue mobility, and thermodynamic stability) performed at Invitae indicates that this missense variant is not expected to disrupt MAP2K2 protein function. In summary, the available evidence is currently insufficient to determine the role of this variant in disease. Therefore, it has been classified as a Variant of Uncertain Significance. This sequence change replaces arginine, which is basic and polar, with tryptophan, which is neutral and slightly polar, at codon 281 of the MAP2K2 protein (p.Arg281Trp). This variant is present in population databases (rs759998177, gnomAD 0.008%).

Ambry Genetics
Classification: Uncertain significance for Cardiovascular phenotype. Last evaluated: 2022-08-24. Review status: criteria provided, single submitter. Criteria: Ambry Variant Classification Scheme 2023. Collection method: clinical testing. Allele origin: germline.
Comment: The p.R281W variant (also known as c.841C>T), located in coding exon 7 of the MAP2K2 gene, results from a C to T substitution at nucleotide position 841. The arginine at codon 281 is replaced by tryptophan, an amino acid with dissimilar properties. This amino acid position is conserved. In addition, this alteration is predicted to be tolerated by in silico analysis. Since supporting evidence is limited at this time, the clinical significance of this alteration remains unclear.